The following is an entry in ClinVar:

NM_022772.4(EPS8L2):c.762G>A (p.Lys254=)

Gene: EPS8L2 (EPS8 signaling adaptor L2; plus strand). Cytogenetic location: 11p15.5.
Variant type: single nucleotide variant.
Coding change: c.762G>A on transcript NM_022772.4 (MANE Select); coding-DNA position 762, G replaced by A.
Protein change: p.Lys254=; no amino-acid change (lysine 254 retained).
Molecular consequence: synonymous variant.
Genome position (GRCh38, 1-based): chr11:721,346, G>A. VCF-style: chr11-721346-G-A. GRCh37 (hg19) VCF-style: chr11-721346-G-A.
Identifiers: ClinVar variation 3030244 (VCV003030244.2), dbSNP rs1457545859, ClinGen allele CA472437786.

ClinVar aggregate classification (germline): Likely benign (0 of 4 stars; one submission).

Conditions:
EPS8L2-related disorder. Also called: EPS8L2-related condition.

Submission:

PreventionGenetics, part of Exact Sciences
Classification: Likely benign for EPS8L2-related condition. Last evaluated: 2021-03-31. Review status: no assertion criteria provided. Collection method: clinical testing. Allele origin: germline.
Comment: This variant is classified as likely benign based on ACMG/AMP sequence variant interpretation guidelines (Richards et al. 2015 PMID: 25741868, with internal and published modifications).